The following is an entry in ClinVar:

ClinVar aggregate classification (germline): Uncertain significance (1 of 4 stars; one submission).

Submission:

GeneDx
Classification: Uncertain significance. Last evaluated: 2026-02-04. Review status: criteria provided, single submitter. Criteria: GeneDx Variant Classification Process June 2021. Collection method: clinical testing. Allele origin: germline.
Comment: Not observed at significant frequency in large population cohorts (gnomAD); In silico analysis suggests that this missense variant does not alter protein structure/function; Has not been previously published as pathogenic or benign to our knowledge

NM_001127392.3(MYRF):c.2639A>G (p.His880Arg)

Gene: MYRF (myelin regulatory factor; plus strand). Cytogenetic location: 11q12.2.
Variant type: single nucleotide variant.
Coding change: c.2639A>G on transcript NM_001127392.3 (MANE Select); coding-DNA position 2639, A replaced by G.
Protein change: p.His880Arg; replaces histidine 880 with arginine.
Molecular consequence: missense variant.
Genome position (GRCh38, 1-based): chr11:61,781,204, A>G. VCF-style: chr11-61781204-A-G. GRCh37 (hg19) VCF-style: chr11-61548676-A-G.
Other names: c.2534A>G, p.His845Arg (NM_013279.4); short protein forms H845R, H880R.
Identifiers: ClinVar variation 4976079 (VCV004976079.1).